The following is an entry in ClinVar:

NM_013275.6(ANKRD11):c.5789_5801del (p.Tyr1930fs)

Gene: ANKRD11 (ankyrin repeat domain 11; minus strand). Cytogenetic location: 16q24.3.
Variant type: Deletion.
Coding change: c.5789_5801del on transcript NM_013275.6 (MANE Select); coding-DNA positions 5789 to 5801, 13 bases deleted (ACCTGGAGCCGCT).
Protein change: p.Tyr1930fs; shifts the reading frame from tyrosine 1930.
Molecular consequence: frameshift variant.
Genome position (GRCh38, 1-based): chr16:89,280,741-89,280,753, AGCGGCTCCAGGT deleted on the plus strand (ACCTGGAGCCGCT on the coding strand, the reverse complement: ANKRD11 is on the minus strand); deleting any 13 consecutive bases within chr16:89,280,741-89,280,756 gives the same sequence; the c. name uses the placement nearest the transcript's 3' end. VCF-style (leftmost placement, unchanged base first): chr16-89280740-CAGCGGCTCCAGGT-C. GRCh37 (hg19) VCF-style: chr16-89347148-CAGCGGCTCCAGGT-C.
Other names: c.5789_5801del, p.Tyr1930fs (NM_001256182.2, NM_001256183.2); short protein forms Y1930fs.
Identifiers: ClinVar variation 4292421 (VCV004292421.1).
Genomic context (GRCh38, chr16:89,280,740, plus strand): 5'-GGAGGGGTGGGCCCACTCAACGGGCTCCTCGGTGATGACGGCGCTGAAGGGACCCTCGTC[CAGCGGCTCCAGGT>C]AGCTGGGCTCCGGGGGGATGATGGCGGCCGTCGCCTGCTGGTCCTCGGAGGTGTCCAGGT-3'

ClinVar aggregate classification (germline): Likely pathogenic (1 of 4 stars; one submission).

Conditions:
KBG syndrome (KBGS). Also called: ANKRD11-Related KBG Syndrome. Identifiers: Orphanet 2332, MedGen C0220687, MONDO:0007846, OMIM 148050.

Submission:

3billion
Classification: Likely pathogenic for KBG syndrome. Last evaluated: 2024-08-21. Review status: criteria provided, single submitter. Criteria: ACMG Guidelines, 2015. Collection method: clinical testing. Allele origin: germline. Affected: yes.
Comment: The variant is not observed in the gnomAD v4.0.0 dataset. Predicted Consequence/Location: Frameshift: predicted to result in a loss or disruption of normal protein function through nonsense-mediated decay (NMD) or protein truncation. Multiple pathogenic variants are reported downstream of the variant. Therefore, this variant is classified as Likely pathogenic according to the recommendation of ACMG/AMP guideline.